The following is an entry in ClinVar:

NM_001182.5(ALDH7A1):c.21_22delinsTG (p.Leu8Val)

Gene: ALDH7A1 (aldehyde dehydrogenase 7 family member A1; minus strand). Cytogenetic location: 5q23.2.
Variant type: Indel.
Coding change: c.21_22delinsTG on transcript NM_001182.5 (MANE Select); coding-DNA positions 21 to 22, GC replaced by TG.
Protein change: p.Leu8Val; replaces leucine 8 with valine.
Molecular consequence: missense variant. On other transcripts: 5 prime UTR variant (1).
Genome position (GRCh38, 1-based): chr5:126,595,177-126,595,178, GC replaced by CA on the plus strand (GC replaced by TG on the coding strand, the reverse complement: ALDH7A1 is on the minus strand). VCF-style: chr5-126595177-GC-CA. GRCh37 (hg19) VCF-style: chr5-125930869-GC-CA.
Other names: c.-64_-63delinsTG (NM_001201377.2); c.21_22delinsTG, p.Leu8Val (NM_001202404.2); short protein forms L8V.
Identifiers: ClinVar variation 1372188 (VCV001372188.6), dbSNP rs2112820337, ClinGen allele CA2573138866.
Genomic context (GRCh38, chr5:126,595,177, plus strand): 5'-AGGCGGCAGGCCTGCTCCAAGGTCCAGAGAGCTTGCTGGTCTTTGCAGCGTGCACACACA[GC>CA]GCGCGAGGAAGGCGCCACATACTGAGCCCGGGACTCGGGATGAGCCCAAGGCCCTGAGAG-3'
Protein context (NP_001173.2, residues 1-18): MWRLPRA[Leu8Val]CVHAAKTSKL

ClinVar aggregate classification (germline): Uncertain significance (1 of 4 stars; one submission).

Conditions:
Pyridoxine-dependent epilepsy (EPEO4). Also called: Pyridoxine-Dependent Epilepsy - ALDH7A1; PYRIDOXINE DEPENDENCY WITH SEIZURES; EPILEPSY, EARLY-ONSET, 4, VITAMIN B6-DEPENDENT; Pyridoxine-Dependent Seizures. Identifiers: Orphanet 3006, MedGen C1849508, MONDO:0009945, OMIM 266100. Disease mechanism: loss of function.

Submission:

Labcorp Genetics (formerly Invitae), Labcorp
Classification: Uncertain significance for Pyridoxine-dependent epilepsy. Last evaluated: 2021-05-21. Review status: criteria provided, single submitter. Criteria: Invitae Variant Classification Sherloc (09022015). Collection method: clinical testing. Allele origin: germline.
Comment: In summary, the available evidence is currently insufficient to determine the role of this variant in disease. Therefore, it has been classified as a Variant of Uncertain Significance. Algorithms developed to predict the effect of sequence changes on RNA splicing suggest that this variant may create or strengthen a splice site, but this prediction has not been confirmed by published transcriptional studies. This variant has not been reported in the literature in individuals with ALDH7A1-related conditions. The frequency data for this variant in the population databases is not available, as this variant may be reported as separate entries in the ExAC database. This sequence change replaces leucine with valine at codon 8 of the ALDH7A1 protein (p.Leu8Val). The leucine residue is weakly conserved and there is a small physicochemical difference between leucine and valine.